The following is an entry in ClinVar:

ClinVar aggregate classification (germline): Benign (1 of 4 stars; one submission).

Allele frequency attached by ClinVar (database versions not stated): 1000 Genomes Project 0.14337; 1000 Genomes Project 30x 0.14756; gnomAD 0.18058 and 0.18619; TOPMed 0.18670.
gnomAD v4.1: 27,441 of 152,184 alleles (18%); highest among the groups gnomAD compares: African/African-American, 24%; 2,691 homozygotes.

Submission:

GeneDx
Classification: Benign. Last evaluated: 2018-06-14. Review status: criteria provided, single submitter. Criteria: GeneDx Variant Classification (06012015). Collection method: clinical testing. Allele origin: germline. Affected: yes.
Comment: This variant is considered likely benign or benign based on one or more of the following criteria: it is a conservative change, it occurs at a poorly conserved position in the protein, it is predicted to be benign by multiple in silico algorithms, and/or has population frequency not consistent with disease.

NM_020408.6(LYRM4):c.208-273G>T

Genes: LYRM4 (LYR motif containing 4; minus strand), LYRM4-AS1 (LYRM4 antisense RNA 1; plus strand). Cytogenetic location: 6p25.1.
Variant type: single nucleotide variant.
Coding change: c.208-273G>T on transcript NM_020408.6 (MANE Select); 273 bases into the intron before coding-DNA position 208, G replaced by T.
Molecular consequence: intron variant.
Genome position (GRCh38, 1-based): chr6:5,109,764, C>A on the plus strand (G>T on the coding strand, the complement: LYRM4 is on the minus strand). VCF-style: chr6-5109764-C-A. GRCh37 (hg19) VCF-style: chr6-5109998-C-A.
Other names: c.208-41098G>T (NM_001318783.1); c.*42-273G>T (NM_001164841.3).
Identifiers: ClinVar variation 680629 (VCV000680629.1), dbSNP rs12202384, ClinGen allele CA12287321.